The following is an entry in ClinVar:

ClinVar aggregate classification (germline): Uncertain significance. Review status: criteria provided, multiple submitters, no conflicts (2 of 4 stars). 4 submissions from 4 submitters: Uncertain significance (4). Last evaluated 2025-11-10.

Conditions:
Inborn genetic diseases. Identifiers: MedGen C0950123, MeSH D030342.
COL7A1-related disorder. Also called: COL7A1-related condition; COL7A1- related disorders.

Allele frequency attached by ClinVar (database versions not stated): gnomAD exomes below 0.00001; ExAC 0.00001; gnomAD 0.00001.
gnomAD v4.1: 7 of 1,614,002 alleles (0.00043%); highest among the groups gnomAD compares: Admixed American, 0.0033%; no homozygotes.

Submissions (4):

Women's Health and Genetics/Laboratory Corporation of America, LabCorp
Classification: Uncertain significance. Last evaluated: 2025-11-10. Review status: criteria provided, single submitter. Criteria: LabCorp Variant Classification Summary - May 2015. Collection method: clinical testing. Allele origin: germline.

Labcorp Genetics (formerly Invitae), Labcorp
Classification: Uncertain significance. Last evaluated: 2025-03-27. Review status: criteria provided, single submitter. Criteria: Invitae Variant Classification Sherloc (09022015). Collection method: clinical testing. Allele origin: germline.
Comment: This sequence change replaces aspartic acid, which is acidic and polar, with asparagine, which is neutral and polar, at codon 157 of the COL7A1 protein (p.Asp157Asn). This variant is present in population databases (rs767282486, gnomAD no frequency). This variant has not been reported in the literature in individuals affected with COL7A1-related conditions. ClinVar contains an entry for this variant (Variation ID: 1489975). Invitae Evidence Modeling of protein sequence and biophysical properties (such as structural, functional, and spatial information, amino acid conservation, physicochemical variation, residue mobility, and thermodynamic stability) indicates that this missense variant is not expected to disrupt COL7A1 protein function with a negative predictive value of 95%. In summary, the available evidence is currently insufficient to determine the role of this variant in disease. Therefore, it has been classified as a Variant of Uncertain Significance.

Ambry Genetics
Classification: Uncertain significance for Inborn genetic diseases. Last evaluated: 2024-11-11. Review status: criteria provided, single submitter. Criteria: Ambry Variant Classification Scheme 2023. Collection method: clinical testing. Allele origin: germline.

PreventionGenetics, part of Exact Sciences
Classification: Uncertain significance for COL7A1-related condition. Last evaluated: 2023-06-23. Review status: criteria provided, single submitter. Criteria: ACMG Guidelines, 2015. Collection method: clinical testing. Allele origin: germline.
Comment: The COL7A1 c.469G>A variant is predicted to result in the amino acid substitution p.Asp157Asn. To our knowledge, this variant has not been reported in the literature. This variant is present in one allele out of 251,164 alleles in the gnomAD database. At this time, the clinical significance of this variant is uncertain due to the absence of conclusive functional and genetic evidence.

NM_000094.4(COL7A1):c.469G>A (p.Asp157Asn)

Gene: COL7A1 (collagen type VII alpha 1 chain; minus strand). Cytogenetic location: 3p21.31.
Variant type: single nucleotide variant.
Coding change: c.469G>A on transcript NM_000094.4 (MANE Select); coding-DNA position 469, G replaced by A.
Protein change: p.Asp157Asn; replaces aspartic acid 157 with asparagine.
Molecular consequence: missense variant.
Genome position (GRCh38, 1-based): chr3:48,593,407, C>T on the plus strand (G>A on the coding strand, the complement: COL7A1 is on the minus strand). VCF-style: chr3-48593407-C-T. GRCh37 (hg19) VCF-style: chr3-48630840-C-T.
Other names: c.469G>A (NM_000094.3); short protein forms D157N.
Identifiers: ClinVar variation 1489975 (VCV001489975.10), dbSNP rs767282486, ClinGen allele CA2381536.